The following is an entry in ClinVar:

NM_001134363.3(RBM20):c.779G>A (p.Ser260Asn)

Gene: RBM20 (RNA binding motif protein 20; plus strand). Cytogenetic location: 10q25.2.
Variant type: single nucleotide variant.
Coding change: c.779G>A on transcript NM_001134363.3 (MANE Select); coding-DNA position 779, G replaced by A.
Protein change: p.Ser260Asn; replaces serine 260 with asparagine.
Molecular consequence: missense variant.
Genome position (GRCh38, 1-based): chr10:110,781,388, G>A. VCF-style: chr10-110781388-G-A. GRCh37 (hg19) VCF-style: chr10-112541146-G-A.
Other names: short protein forms S260N.
Identifiers: ClinVar variation 4778388 (VCV004778388.1).
Genomic context (GRCh38, chr10:110,781,388, plus strand): 5'-ATGGCCCTGAAACAGATGGTCAGCCTGGCTTCCTGCCATCCTCGGCCTCAACCTCGGGCA[G>A]TGTGACCTATGAAGGGCACTACAGCCACACAGGGCAGGATGGTCAAGCTGCCTTTTCCAA-3'
Protein context (NP_001127835.2, residues 250-270): FLPSSASTSG[Ser260Asn]VTYEGHYSHT

ClinVar aggregate classification (germline): Uncertain significance (1 of 4 stars; one submission).

Conditions:
Dilated cardiomyopathy 1DD (CMD1DD). Identifiers: Orphanet 154, MedGen C2750995, MONDO:0013168, OMIM 613172.

Submission:

Labcorp Genetics (formerly Invitae), Labcorp
Classification: Uncertain significance for Dilated cardiomyopathy 1DD. Last evaluated: 2025-04-30. Review status: criteria provided, single submitter. Criteria: Invitae Variant Classification Sherloc (09022015). Collection method: clinical testing. Allele origin: germline.
Comment: This sequence change replaces serine, which is neutral and polar, with asparagine, which is neutral and polar, at codon 260 of the RBM20 protein (p.Ser260Asn). This variant is not present in population databases (gnomAD no frequency). This variant has not been reported in the literature in individuals affected with RBM20-related conditions. Invitae Evidence Modeling of protein sequence and biophysical properties (such as structural, functional, and spatial information, amino acid conservation, physicochemical variation, residue mobility, and thermodynamic stability) indicates that this missense variant is not expected to disrupt RBM20 protein function with a negative predictive value of 95%. In summary, the available evidence is currently insufficient to determine the role of this variant in disease. Therefore, it has been classified as a Variant of Uncertain Significance.